The following is an entry in ClinVar:

NM_021072.4(HCN1):c.1171G>T (p.Gly391Cys)

Gene: HCN1 (hyperpolarization activated cyclic nucleotide gated potassium channel 1; minus strand). Cytogenetic location: 5p12.
Variant type: single nucleotide variant.
Coding change: c.1171G>T on transcript NM_021072.4 (MANE Select); coding-DNA position 1171, G replaced by T.
Protein change: p.Gly391Cys; replaces glycine 391 with cysteine.
Molecular consequence: missense variant.
Genome position (GRCh38, 1-based): chr5:45,396,551, C>A on the plus strand (G>T on the coding strand, the complement: HCN1 is on the minus strand). VCF-style: chr5-45396551-C-A. GRCh37 (hg19) VCF-style: chr5-45396653-C-A.
Other names: short protein forms G391C.
Identifiers: ClinVar variation 3358955 (VCV003358955.2).

ClinVar aggregate classification (germline): Pathogenic (1 of 4 stars; one submission).

Conditions:
Developmental and epileptic encephalopathy, 24 (DEE24). Also called: Epileptic encephalopathy, early infantile, 24. Identifiers: Orphanet 442835, MedGen C4014531, MONDO:0014377, OMIM 615871.

Submission:

Institute of Human Genetics, University of Leipzig Medical Center
Classification: Pathogenic for Developmental and epileptic encephalopathy, 24. Last evaluated: 2021-12-15. Review status: criteria provided, single submitter. Criteria: ACMG Guidelines, 2015. Collection method: clinical testing. Allele origin: unknown. Affected: yes.
Comment: Criteria applied: PS1, PM1_MOD, PM2_SUP, PM5_STR, PP2_SUP, PP3_SUP